The following is an entry in ClinVar:

NM_020831.6(MRTFA):c.2063A>G (p.Gln688Arg)

Gene: MRTFA (myocardin related transcription factor A; minus strand). Cytogenetic location: 22q13.1.
Variant type: single nucleotide variant.
Coding change: c.2063A>G on transcript NM_020831.6 (MANE Select); coding-DNA position 2063, A replaced by G.
Protein change: p.Gln688Arg; replaces glutamine 688 with arginine.
Molecular consequence: missense variant.
Genome position (GRCh38, 1-based): chr22:40,418,675, T>C on the plus strand (A>G on the coding strand, the complement: MRTFA is on the minus strand). VCF-style: chr22-40418675-T-C. GRCh37 (hg19) VCF-style: chr22-40814679-T-C.
Other names: c.1763A>G, p.Gln588Arg (NM_001282660.2); c.1913A>G, p.Gln638Arg (NM_001282661.3); c.2063A>G, p.Gln688Arg (NM_001282662.3); c.1868A>G, p.Gln623Arg (NM_001318139.2); short protein forms Q688R, Q588R, Q623R, Q638R.
Identifiers: ClinVar variation 2110147 (VCV002110147.4), dbSNP rs2147067138, ClinGen allele CA411658558.

ClinVar aggregate classification (germline): Uncertain significance (1 of 4 stars; one submission).

Submission:

Labcorp Genetics (formerly Invitae), Labcorp
Classification: Uncertain significance. Last evaluated: 2022-03-12. Review status: criteria provided, single submitter. Criteria: Invitae Variant Classification Sherloc (09022015). Collection method: clinical testing. Allele origin: germline.
Comment: In summary, the available evidence is currently insufficient to determine the role of this variant in disease. Therefore, it has been classified as a Variant of Uncertain Significance. Algorithms developed to predict the effect of missense changes on protein structure and function output the following: SIFT: "Tolerated"; PolyPhen-2: "Benign"; Align-GVGD: "Class C0". The arginine amino acid residue is found in multiple mammalian species, which suggests that this missense change does not adversely affect protein function. This variant has not been reported in the literature in individuals affected with MKL1-related conditions. This variant is not present in population databases (gnomAD no frequency). This sequence change replaces glutamine, which is neutral and polar, with arginine, which is basic and polar, at codon 588 of the MKL1 protein (p.Gln588Arg).